The following is an entry in ClinVar:

ClinVar aggregate classification (germline): Uncertain significance (1 of 4 stars; one submission).

gnomAD v4.1: 6 of 1,614,002 alleles (0.00037%); highest among the groups gnomAD compares: Non-Finnish European, 0.00051%; no homozygotes.

Submission:

Labcorp Genetics (formerly Invitae), Labcorp
Classification: Uncertain significance. Last evaluated: 2024-09-06. Review status: criteria provided, single submitter. Criteria: Invitae Variant Classification Sherloc (09022015). Collection method: clinical testing. Allele origin: germline.
Comment: This sequence change replaces alanine, which is neutral and non-polar, with valine, which is neutral and non-polar, at codon 2153 of the DNAH9 protein (p.Ala2153Val). This variant is present in population databases (no rsID available, gnomAD 0.0009%). This variant has not been reported in the literature in individuals affected with DNAH9-related conditions. Invitae Evidence Modeling of protein sequence and biophysical properties (such as structural, functional, and spatial information, amino acid conservation, physicochemical variation, residue mobility, and thermodynamic stability) indicates that this missense variant is expected to disrupt DNAH9 protein function with a positive predictive value of 80%. In summary, the available evidence is currently insufficient to determine the role of this variant in disease. Therefore, it has been classified as a Variant of Uncertain Significance.

NM_001372.4(DNAH9):c.6458C>T (p.Ala2153Val)

Gene: DNAH9 (dynein axonemal heavy chain 9; plus strand). Cytogenetic location: 17p12.
Variant type: single nucleotide variant.
Coding change: c.6458C>T on transcript NM_001372.4 (MANE Select); coding-DNA position 6458, C replaced by T.
Protein change: p.Ala2153Val; replaces alanine 2153 with valine.
Molecular consequence: missense variant.
Genome position (GRCh38, 1-based): chr17:11,747,614, C>T. VCF-style: chr17-11747614-C-T. GRCh37 (hg19) VCF-style: chr17-11650931-C-T.
Other names: short protein forms A2153V.
Identifiers: ClinVar variation 3718996 (VCV003718996.2).